The following is an entry in ClinVar:

ClinVar aggregate classification (germline): Uncertain significance (1 of 4 stars; one submission).

Conditions:
Inborn genetic diseases. Identifiers: MedGen C0950123, MeSH D030342.

Submission:

Ambry Genetics
Classification: Uncertain significance for Inborn genetic diseases. Last evaluated: 2021-05-11. Review status: criteria provided, single submitter. Criteria: Ambry Variant Classification Scheme 2023. Collection method: clinical testing. Allele origin: germline.
Comment: The c.2274G>A (p.W758*) alteration, located in coding exon 16 of the KDM5B gene, consists of a G to A substitution at nucleotide position 2274. This changes the amino acid from a tryptophan (W) to a stop codon at amino acid position 758. This alteration is expected to result in premature protein truncation or nonsense-mediated mRNA decay. Based on data from the Genome Aggregation Database (gnomAD), the KDM5B c.2274G>A alteration was not observed, with coverage at this position. Based on insufficient or conflicting evidence, the clinical significance of this alteration remains unclear.

NM_006618.5(KDM5B):c.2274G>A (p.Trp758Ter)

Gene: KDM5B (lysine demethylase 5B; minus strand). Cytogenetic location: 1q32.1.
Variant type: single nucleotide variant.
Coding change: c.2274G>A on transcript NM_006618.5 (MANE Select); coding-DNA position 2274, G replaced by A.
Protein change: p.Trp758Ter; replaces tryptophan 758 with a stop codon.
Molecular consequence: nonsense.
Genome position (GRCh38, 1-based): chr1:202,745,907, C>T on the plus strand (G>A on the coding strand, the complement: KDM5B is on the minus strand). VCF-style: chr1-202745907-C-T. GRCh37 (hg19) VCF-style: chr1-202715035-C-T.
Other names: c.2382G>A, p.Trp794Ter (NM_001314042.2); c.2139G>A, p.Trp713Ter (NM_001347591.2); c.2259G>A, p.Trp753Ter (NM_001399817.1); short protein forms W713*, W758*, W753*, W794*.
Identifiers: ClinVar variation 2230839 (VCV002230839.2), dbSNP rs2527483186, ClinGen allele CA344266114.